The following is an entry in ClinVar:

ClinVar aggregate classification (germline): Uncertain significance (1 of 4 stars; one submission).

Submission:

Ambry Genetics
Classification: Uncertain significance. Last evaluated: 2021-12-10. Review status: criteria provided, single submitter. Criteria: Ambry Variant Classification Scheme 2023. Collection method: clinical testing. Allele origin: germline.
Comment: The p.L254I variant (also known as c.760C>A), located in coding exon 9 of the NPAT gene, results from a C to A substitution at nucleotide position 760. The leucine at codon 254 is replaced by isoleucine, an amino acid with highly similar properties. This amino acid position is conserved. In addition, this alteration is predicted to be tolerated by in silico analysis. Since supporting evidence is limited at this time, the clinical significance of this alteration remains unclear.

NM_002519.3(NPAT):c.760C>A (p.Leu254Ile)

Gene: NPAT (nuclear protein, coactivator of histone transcription; minus strand). Cytogenetic location: 11q22.3.
Variant type: single nucleotide variant.
Coding change: c.760C>A on transcript NM_002519.3 (MANE Select); coding-DNA position 760, C replaced by A.
Protein change: p.Leu254Ile; replaces leucine 254 with isoleucine.
Molecular consequence: missense variant.
Genome position (GRCh38, 1-based): chr11:108,185,461, G>T on the plus strand (C>A on the coding strand, the complement: NPAT is on the minus strand). VCF-style: chr11-108185461-G-T. GRCh37 (hg19) VCF-style: chr11-108056188-G-T.
Other names: c.760C>A, p.Leu254Ile (NM_001321307.1); short protein forms L254I.
Identifiers: ClinVar variation 1759781 (VCV001759781.2), dbSNP rs979262966, ClinGen allele CA382521159.